The following is an entry in ClinVar:

ClinVar aggregate classification (germline): Benign/Likely benign. Review status: criteria provided, multiple submitters, no conflicts (2 of 4 stars). 3 submissions from 3 submitters: Benign (1); Likely benign (1). 1 of the submissions does not count toward it. Last evaluated 2025-12-24.

Conditions:
NFATC1-related disorder. Also called: NFATC1-related condition.

Allele frequency attached by ClinVar (database versions not stated): 1000 Genomes Project 0.00040; 1000 Genomes Project 30x 0.00047; TOPMed 0.00222; gnomAD 0.00264 and 0.00282; gnomAD exomes 0.00264 and 0.00274; ESP Exome Variant Server 0.00292; ExAC 0.00307.
gnomAD v4.1: 4,220 of 1,613,798 alleles (0.26%); highest among the groups gnomAD compares: Non-Finnish European, 0.3%; 7 homozygotes.

Submissions (3):

Labcorp Genetics (formerly Invitae), Labcorp
Classification: Benign. Last evaluated: 2025-12-24. Review status: criteria provided, single submitter. Criteria: Invitae Variant Classification Sherloc (09022015). Collection method: clinical testing. Allele origin: germline.

CeGaT Center for Human Genetics Tuebingen
Classification: Likely benign. Last evaluated: 2022-11-01. Review status: criteria provided, single submitter. Criteria: CeGaT Center For Human Genetics Tuebingen Variant Classification Criteria Version 2. Collection method: clinical testing. Allele origin: germline. Affected: yes. Observed: 1 variant allele.
Comment: NFATC1: BP4, BP7

PreventionGenetics, part of Exact Sciences
Classification: Likely benign for NFATC1-related condition. Last evaluated: 2019-09-09. Review status: no assertion criteria provided. Collection method: clinical testing. Allele origin: germline. Not counted in ClinVar's aggregate classification.
Comment: This variant is classified as likely benign based on ACMG/AMP sequence variant interpretation guidelines (Richards et al. 2015 PMID: 25741868, with internal and published modifications).

NM_001278669.2(NFATC1):c.1446C>T (p.Asp482=)

Gene: NFATC1 (nuclear factor of activated T cells 1; plus strand). Cytogenetic location: 18q23.
Variant type: single nucleotide variant.
Coding change: c.1446C>T on transcript NM_001278669.2 (MANE Select); coding-DNA position 1446, C replaced by T.
Protein change: p.Asp482=; no amino-acid change (aspartic acid 482 retained).
Molecular consequence: synonymous variant.
Genome position (GRCh38, 1-based): chr18:79,448,841, C>T. VCF-style: chr18-79448841-C-T. GRCh37 (hg19) VCF-style: chr18-77208841-C-T.
Other names: c.1446C>T, p.Asp482= (NM_001278670.2, NM_006162.5, NM_172390.3); c.1407C>T, p.Asp469= (NM_001278672.2, NM_001278675.2, NM_172387.3 and 1 more transcripts); c.30C>T, p.Asp10= (NM_001278673.2, NM_172388.3); c.1446C>T (NM_001278669.1).
Identifiers: ClinVar variation 731768 (VCV000731768.34), dbSNP rs146371354, ClinGen allele CA9009206.